The following is an entry in ClinVar:

NM_001292063.2(OTOG):c.16T>C (p.Ser6Pro)

Gene: OTOG (otogelin; plus strand). Cytogenetic location: 11p15.1.
Variant type: single nucleotide variant.
Coding change: c.16T>C on transcript NM_001292063.2 (MANE Select); coding-DNA position 16, T replaced by C.
Protein change: p.Ser6Pro; replaces serine 6 with proline.
Molecular consequence: missense variant.
Genome position (GRCh38, 1-based): chr11:17,547,388, T>C. VCF-style: chr11-17547388-T-C. GRCh37 (hg19) VCF-style: chr11-17568935-T-C.
Other names: c.16T>C, p.Ser6Pro (NM_001277269.2); short protein forms S6P.
Identifiers: ClinVar variation 666740 (VCV000666740.4), dbSNP rs773298682, ClinGen allele CA5905306.

ClinVar aggregate classification (germline): Likely benign (1 of 4 stars; one submission).

Allele frequency attached by ClinVar (database versions not stated): gnomAD exomes below 0.00001; ExAC 0.00214.
gnomAD v4.1: 1 of 1,413,790 alleles (0.000071%); highest among the groups gnomAD compares: South Asian, 0.0015%; no homozygotes.

Submission:

Laboratory for Molecular Medicine, Mass General Brigham Personalized Medicine
Classification: Likely benign. Last evaluated: 2018-11-28. Review status: criteria provided, single submitter. Criteria: LMM Criteria. Collection method: clinical testing. Allele origin: germline. Observed: 1 variant allele.
Comment: The p.Ser6Pro variant in OTOG is classified as likely benign due to a lack of co nservation across species. Several species including mammals have Proline (Pro) at this position. ACMG/AMP Criteria applied: PM2, BP4_Strong.